The following is an entry in ClinVar:

NM_004082.5(DCTN1):c.3403T>C (p.Ser1135Pro)

Gene: DCTN1 (dynactin subunit 1; minus strand). Cytogenetic location: 2p13.1.
Variant type: single nucleotide variant.
Coding change: c.3403T>C on transcript NM_004082.5 (MANE Select); coding-DNA position 3403, T replaced by C.
Protein change: p.Ser1135Pro; replaces serine 1135 with proline.
Molecular consequence: missense variant. On other transcripts: non-coding transcript variant (1).
Genome position (GRCh38, 1-based): chr2:74,363,120, A>G on the plus strand (T>C on the coding strand, the complement: DCTN1 is on the minus strand). VCF-style: chr2-74363120-A-G. GRCh37 (hg19) VCF-style: chr2-74590247-A-G.
Other names: p.Ser1135Pro; c.3328T>C, p.Ser1110Pro (NM_001135040.3); c.2986T>C, p.Ser996Pro (NM_001135041.3); c.3277T>C, p.Ser1093Pro (NM_001190836.2); c.3382T>C, p.Ser1128Pro (NM_001190837.2); c.3352T>C, p.Ser1118Pro (NM_001378991.1); c.3334T>C, p.Ser1112Pro (NM_001378992.1); c.3001T>C, p.Ser1001Pro (NM_023019.4); short protein forms S1128P, S1093P, S1110P, S1118P, S996P, S1001P, S1135P, S1112P.
Identifiers: ClinVar variation 3080648 (VCV003080648.4), dbSNP rs763226083, ClinGen allele CA1721492.

ClinVar aggregate classification (germline): Conflicting classifications of pathogenicity. Review status: criteria provided, conflicting classifications (1 of 4 stars). 3 submissions from 3 submitters: Uncertain significance (2); Likely benign (1). Last evaluated 2024-05-26.

Conditions:
Inborn genetic diseases. Identifiers: MedGen C0950123, MeSH D030342.
Amyotrophic lateral sclerosis type 1 (ALS1). Also called: AMYOTROPHIC LATERAL SCLEROSIS 1, FAMILIAL. Identifiers: Orphanet 803, MedGen C1862939, MONDO:0007103, OMIM 105400.
Neuronopathy, distal hereditary motor, type 7B. Also called: NEURONOPATHY, DISTAL HEREDITARY MOTOR, AUTOSOMAL DOMINANT 14; NEURONOPATHY, DISTAL HEREDITARY MOTOR, HARDING TYPE VIIB; NEUROPATHY, DISTAL HEREDITARY MOTOR, HARDING TYPE VIIB; NEUROPATHY, DISTAL HEREDITARY MOTOR, WITH VOCAL CORD PARALYSIS, HARDING TYPE VIIB; HMN VIIB; LOWER MOTOR NEURON DISEASE, DYNACTIN TYPE. Identifiers: Orphanet 139589, MedGen C1843315, MONDO:0011879, OMIM 607641.
Perry syndrome. Also called: PARKINSONISM WITH ALVEOLAR HYPOVENTILATION AND MENTAL DEPRESSION. Identifiers: Orphanet 178509, MedGen C1868594, MONDO:0008201, OMIM 168605.

Allele frequency attached by ClinVar (database versions not stated): gnomAD 0.00001; TOPMed 0.00001; gnomAD exomes 0.00002; ExAC 0.00004.
gnomAD v4.1: 30 of 1,613,898 alleles (0.0019%); highest among the groups gnomAD compares: South Asian, 0.025%; 1 homozygote.

Submissions (3):

Labcorp Genetics (formerly Invitae), Labcorp
Classification: Uncertain significance for Amyotrophic lateral sclerosis type 1; Neuronopathy, distal hereditary motor, type 7B; Perry syndrome. Last evaluated: 2024-05-26. Review status: criteria provided, single submitter. Criteria: Invitae Variant Classification Sherloc (09022015). Collection method: clinical testing. Allele origin: germline.
Comment: This sequence change replaces serine, which is neutral and polar, with proline, which is neutral and non-polar, at codon 1135 of the DCTN1 protein (p.Ser1135Pro). This variant is present in population databases (rs763226083, gnomAD 0.02%). This variant has not been reported in the literature in individuals affected with DCTN1-related conditions. Advanced modeling of protein sequence and biophysical properties (such as structural, functional, and spatial information, amino acid conservation, physicochemical variation, residue mobility, and thermodynamic stability) performed at Invitae indicates that this missense variant is not expected to disrupt DCTN1 protein function with a negative predictive value of 80%. In summary, the available evidence is currently insufficient to determine the role of this variant in disease. Therefore, it has been classified as a Variant of Uncertain Significance.

Ambry Genetics
Classification: Likely benign for Inborn genetic diseases. Last evaluated: 2023-11-03. Review status: criteria provided, single submitter. Criteria: Ambry Variant Classification Scheme 2023. Collection method: clinical testing. Allele origin: germline.

Mayo Clinic Laboratories, Mayo Clinic
Classification: Uncertain significance. Last evaluated: 2023-09-22. Review status: criteria provided, single submitter. Criteria: ACMG Guidelines, 2015. Collection method: clinical testing. Allele origin: germline. Observed: 1 variant allele.
Comment: BP4